The following is an entry in ClinVar:

NM_001358921.2(COQ2):c.182C>T (p.Ala61Val)

Genes: COQ2 (coenzyme Q2, polyprenyltransferase; minus strand), LOC112997540 (Sharpr-MPRA regulatory region 13773; plus strand). Cytogenetic location: 4q21.23.
Variant type: single nucleotide variant.
Coding change: c.182C>T on transcript NM_001358921.2 (MANE Select); coding-DNA position 182, C replaced by T.
Protein change: p.Ala61Val; replaces alanine 61 with valine.
Molecular consequence: missense variant.
Genome position (GRCh38, 1-based): chr4:83,284,583, G>A on the plus strand (C>T on the coding strand, the complement: COQ2 is on the minus strand). VCF-style: chr4-83284583-G-A. GRCh37 (hg19) VCF-style: chr4-84205736-G-A.
Other names: c.332C>T, p.Ala111Val (NM_015697.9); short protein forms A111V, A61V.
Identifiers: ClinVar variation 1484996 (VCV001484996.6), dbSNP rs1233395596, ClinGen allele CA357230913.

ClinVar aggregate classification (germline): Uncertain significance. Review status: criteria provided, multiple submitters, no conflicts (2 of 4 stars). 2 submissions from 2 submitters: Uncertain significance (2). Last evaluated 2022-06-28.

Conditions:
Coenzyme Q10 deficiency, primary, 1. Also called: UBIQUINONE DEFICIENCY 1; COENZYME Q DEFICIENCY 1; CoQ DEFICIENCY 1. Identifiers: Orphanet 255249, MedGen C3551954, MONDO:0011829, OMIM 607426.
Multiple system atrophy 1, susceptibility to. Also called: MSA1, SUSCEPTIBILITY TO. Identifiers: MedGen C3714927, MONDO:0020715, OMIM 146500.

Allele frequency attached by ClinVar (database versions not stated): gnomAD exomes 0.00002.
gnomAD v4.1: 24 of 1,548,958 alleles (0.0015%); highest among the groups gnomAD compares: Admixed American, 0.0019%; no homozygotes.

Submissions (2):

Labcorp Genetics (formerly Invitae), Labcorp
Classification: Uncertain significance. Last evaluated: 2022-06-28. Review status: criteria provided, single submitter. Criteria: Invitae Variant Classification Sherloc (09022015). Collection method: clinical testing. Allele origin: germline.
Comment: This sequence change replaces alanine, which is neutral and non-polar, with valine, which is neutral and non-polar, at codon 111 of the COQ2 protein (p.Ala111Val). The frequency data for this variant in the population databases is considered unreliable, as metrics indicate poor data quality at this position in the gnomAD database. This variant has not been reported in the literature in individuals affected with COQ2-related conditions. Algorithms developed to predict the effect of missense changes on protein structure and function are either unavailable or do not agree on the potential impact of this missense change (SIFT: "Deleterious"; PolyPhen-2: "Benign"; Align-GVGD: "Class C0"). In summary, the available evidence is currently insufficient to determine the role of this variant in disease. Therefore, it has been classified as a Variant of Uncertain Significance.

Fulgent Genetics
Classification: Uncertain significance for Multiple system atrophy 1, susceptibility to; Coenzyme Q10 deficiency, primary, 1. Last evaluated: 2021-12-08. Review status: criteria provided, single submitter. Criteria: ACMG Guidelines, 2015. Collection method: clinical testing. Allele origin: unknown.